The following is an entry in ClinVar:

NM_000414.4(HSD17B4):c.1516C>T (p.Arg506Cys)

Gene: HSD17B4 (hydroxysteroid 17-beta dehydrogenase 4; plus strand). Cytogenetic location: 5q23.1.
Variant type: single nucleotide variant.
Coding change: c.1516C>T on transcript NM_000414.4 (MANE Select); coding-DNA position 1516, C replaced by T.
Protein change: p.Arg506Cys; replaces arginine 506 with cysteine.
Molecular consequence: missense variant.
Genome position (GRCh38, 1-based): chr5:119,525,228, C>T. VCF-style: chr5-119525228-C-T. GRCh37 (hg19) VCF-style: chr5-118860923-C-T.
Other names: c.1591C>T, p.Arg531Cys (NM_001199291.3); c.1462C>T, p.Arg488Cys (NM_001199292.2); c.1444C>T, p.Arg482Cys (NM_001292027.2); c.1096C>T, p.Arg366Cys (NM_001292028.2); short protein forms R506C, R366C, R488C, R531C, R482C.
Identifiers: ClinVar variation 495866 (VCV000495866.23), dbSNP rs766199971, ClinGen allele CA3382299.

ClinVar aggregate classification (germline): Pathogenic/Likely pathogenic. Review status: criteria provided, multiple submitters, no conflicts (2 of 4 stars). 10 submissions from 10 submitters: Pathogenic (8); Likely pathogenic (1). 1 of the submissions does not count toward it. Last evaluated 2024-10-23.

Conditions:
Bifunctional peroxisomal enzyme deficiency (DBIF). Also called: DBP DEFICIENCY; PBFE DEFICIENCY; D-bifunctional protein deficiency. Identifiers: Orphanet 300, MedGen C0342870, MONDO:0009855, OMIM 261515. Disease mechanism: loss of function.
Perrault syndrome. Also called: Gonadal dysgenesis with auditory dysfunction, autosomal recessive inheritance. Identifiers: Orphanet 2855, MedGen C0685838, MONDO:0017312.
HSD17B4-related disorder. Also called: HSD17B4-related condition; HSD17B4-related disorders.
Inborn genetic diseases. Identifiers: MedGen C0950123, MeSH D030342.
Perrault syndrome 1 (PRLTS1). Also called: GONADAL DYSGENESIS, XX TYPE, WITH DEAFNESS; OVARIAN DYSGENESIS WITH SENSORINEURAL DEAFNESS. Identifiers: Orphanet 2855, Orphanet 642945, MedGen C4551721, MONDO:0009300, OMIM 233400.

Allele frequency attached by ClinVar (database versions not stated): gnomAD 0.00001; gnomAD exomes 0.00001; TOPMed 0.00001; ExAC 0.00002.
gnomAD v4.1: 12 of 1,611,138 alleles (0.00074%); highest among the groups gnomAD compares: Admixed American, 0.0017%; no homozygotes.

Submissions (10):

PreventionGenetics, part of Exact Sciences
Classification: Pathogenic for HSD17B4-related condition. Last evaluated: 2024-10-23. Review status: criteria provided, single submitter. Criteria: ACMG Guidelines, 2015. Collection method: clinical testing. Allele origin: germline.
Comment: The HSD17B4 c.1516C>T variant is predicted to result in the amino acid substitution p.Arg506Cys. This variant has been reported in the homozygous and compound heterozygous states in multiple unrelated individuals with D-bifunctional protein deficiency (Ferdinandusse et al. 2006. PubMed ID: 16385454; Konkolova et al. 2015. PubMed ID: 25967389). A different substitution at the same amino acid (p.Arg506His) has also been reported in the homozygous state in an individual with D-bifunctional protein deficiency (Ferdinandusse et al. 2006. PubMed ID: 16385454). Engineered HSD17B4 enzymes expressed in E. coli with either the 506Cys or 506His residue had no detectable hydratase activity (Tsuchida et al. 2012. PubMed ID: 22864515). This variant is reported in 0.0028% of alleles in individuals of Latino descent in gnomAD. Taken together, we interpret the p.Arg506Cys variant as pathogenic.

Natera, Inc.
Classification: Pathogenic for Bifunctional peroxisomal enzyme deficiency. Last evaluated: 2024-09-23. Review status: criteria provided, single submitter. Criteria: Natera Variant Classification Schema (03/2026). Collection method: clinical testing. Allele origin: germline.
Comment: The c.1516C>T variant in HSD17B4 is a missense variant predicted to cause substitution of arginine to cysteine at amino acid 506. This variant is rare in the general population with a frequency below the threshold expected for the associated phenotype(s). This variant has been observed in one or more individuals affected with the associated recessive disease, as either homozygous or compound heterozygous with a second variant (PMID: 16385454, 25967389). Additionally, this variant has been observed to segregate in affected family members (PMID: 25967389). Given the available evidence, this variant is classified as Pathogenic.

Genomic Medicine Center of Excellence, King Faisal Specialist Hospital and Research Centre
Classification: Pathogenic for Perrault syndrome 1. Last evaluated: 2024-03-17. Review status: criteria provided, single submitter. Criteria: ACMG Guidelines, 2015. Collection method: research. Allele origin: germline.

Labcorp Genetics (formerly Invitae), Labcorp
Classification: Pathogenic for Perrault syndrome; Bifunctional peroxisomal enzyme deficiency. Last evaluated: 2024-02-20. Review status: criteria provided, single submitter. Criteria: Invitae Variant Classification Sherloc (09022015). Collection method: clinical testing. Allele origin: germline.
Comment: This sequence change replaces arginine, which is basic and polar, with cysteine, which is neutral and slightly polar, at codon 506 of the HSD17B4 protein (p.Arg506Cys). This variant is present in population databases (rs766199971, gnomAD 0.003%). This missense change has been observed in individuals with HSD17B4-related conditions (PMID: 16385454, 25967389). It has also been observed to segregate with disease in related individuals. ClinVar contains an entry for this variant (Variation ID: 495866). Advanced modeling of protein sequence and biophysical properties (such as structural, functional, and spatial information, amino acid conservation, physicochemical variation, residue mobility, and thermodynamic stability) has been performed at Invitae for this missense variant, however the output from this modeling did not meet the statistical confidence thresholds required to predict the impact of this variant on HSD17B4 protein function. Experimental studies have shown that this missense change affects HSD17B4 function (PMID: 22864515). For these reasons, this variant has been classified as Pathogenic.

Baylor Genetics
Classification: Pathogenic for Bifunctional peroxisomal enzyme deficiency. Last evaluated: 2023-12-21. Review status: criteria provided, single submitter. Criteria: ACMG Guidelines, 2015. Collection method: clinical testing. Allele origin: unknown.

GeneDx
Classification: Pathogenic. Last evaluated: 2022-06-24. Review status: criteria provided, single submitter. Criteria: GeneDx Variant Classification Process June 2021. Collection method: clinical testing. Allele origin: germline. Affected: yes.
Comment: Published functional studies demonstrate a damaging effect (abolition of hydratase activity) (Tsuchida et al., 2012); Not observed at a significant frequency in large population cohorts (gnomAD); In silico analysis supports that this missense variant has a deleterious effect on protein structure/function; This variant is associated with the following publications: (PMID: 28649525, 22864515, 31589614, 16385454, 25967389)

Ambry Genetics
Classification: Pathogenic for Inborn genetic diseases. Last evaluated: 2021-02-19. Review status: criteria provided, single submitter. Criteria: Ambry Variant Classification Scheme 2023. Collection method: clinical testing. Allele origin: germline.
Comment: The c.1516C>T (p.R506C) alteration is located in exon 18 (coding exon 18) of the HSD17B4 gene. This alteration results from a C to T substitution at nucleotide position 1516, causing the arginine (R) at amino acid position 506 to be replaced by a cysteine (C). Based on data from the Genome Aggregation Database (gnomAD) database, the HSD17B4 c.1516C>T alteration was observed in <0.01% (4/282248) of total alleles studied. This mutation has been identified in three homozygous and one compound heterozygous individual with D-bifunctional protein deficiency (Ferdinandusse, 2006; Konkoov&aacute;, 2015). Functional studies in E. coli demonstrated that this variant abolished hydratase activity (Tsuchida, 2012; Tsuchida, 2015). The p.R506C alteration is predicted to be deleterious by in silico analysis. Based on the available evidence, this alteration is classified as pathogenic.

Fulgent Genetics
Classification: Likely pathogenic for Perrault syndrome 1; Bifunctional peroxisomal enzyme deficiency. Last evaluated: 2018-10-31. Review status: criteria provided, single submitter. Criteria: ACMG Guidelines, 2015. Collection method: clinical testing. Allele origin: unknown.

Women's Health and Genetics/Laboratory Corporation of America, LabCorp
Classification: Pathogenic for Bifunctional peroxisomal enzyme deficiency. Last evaluated: 2017-02-16. Review status: criteria provided, single submitter. Criteria: LabCorp Variant Classification Summary - May 2015. Collection method: clinical testing. Allele origin: germline.
Comment: Variant summary: The HSD17B4 c.1516C>T (p.Arg506Cys) variant involves the alteration of a conserved nucleotide. 4/4 in silico tools predict a damaging outcome for this variant (SNPs&GO not captured due to low reliability index). This variant was found in 2/120420 control chromosomes at a frequency of 0.0000166, which does not exceed the estimated maximal expected allele frequency of a pathogenic HSD17B4 variant (0.002958). The variant has been reported in affected individuals in the literature both in the homozygous and compound heterozygous state. Additionally, functional studies have shown the variant to abolish hydratase activity (Tsuchida_2015). Taken together, this variant is classified as pathogenic.

Counsyl
Classification: Likely pathogenic for Bifunctional peroxisomal enzyme deficiency. Last evaluated: 2018-10-08. Review status: no assertion criteria provided. Collection method: clinical testing. Allele origin: unknown. Not counted in ClinVar's aggregate classification.

Literature cited by the submitters: PubMed 16385454 (cited by 5 submitters); PubMed 25967389 (cited by 5 submitters); PubMed 22864515 (cited by 3 submitters); PubMed 28649525 (cited by Ambry Genetics).